The following is an entry in ClinVar:

ClinVar aggregate classification (germline): Pathogenic. Review status: criteria provided, multiple submitters, no conflicts (2 of 4 stars). 6 submissions from 6 submitters: Pathogenic (6). Last evaluated 2025-02-21.

Conditions:
Joubert syndrome. Also called: JOUBERT-BOLTSHAUSER SYNDROME; Familial aplasia of the vermis. Identifiers: Orphanet 475, MedGen C5979921, MONDO:0018772.
Orofaciodigital syndrome I (OFD1). Also called: OFDS I; Papillon-Leage and Psaume Syndrome; Oral-Facial-Digital Syndrome Type I. Identifiers: Orphanet 2750, MedGen C1510460, MONDO:0010702, OMIM 311200.
OFD1-related disorder. Also called: OFD1-related condition.

Submissions (6):

GeneDx
Classification: Pathogenic. Last evaluated: 2025-02-21. Review status: criteria provided, single submitter. Criteria: GeneDx Variant Classification Process June 2021. Collection method: clinical testing. Allele origin: germline. Affected: yes.
Comment: Nonsense variant predicted to result in protein truncation or nonsense mediated decay in a gene for which loss of function is a known mechanism of disease; Not observed at significant frequency in large population cohorts (gnomAD); This variant is associated with the following publications: (PMID: 25525159, 18546297, 35112477, 24884629, 23033313, 21210864)

Labcorp Genetics (formerly Invitae), Labcorp
Classification: Pathogenic for Orofaciodigital syndrome I; Joubert syndrome. Last evaluated: 2022-04-06. Review status: criteria provided, single submitter. Criteria: Invitae Variant Classification Sherloc (09022015). Collection method: clinical testing. Allele origin: germline.
Comment: For these reasons, this variant has been classified as Pathogenic. ClinVar contains an entry for this variant (Variation ID: 41056). This premature translational stop signal has been observed in individual(s) with oral-facial-digital syndrome (PMID: 18546297, 23033313). In at least one individual the variant was observed to be de novo. This variant is not present in population databases (gnomAD no frequency). This sequence change creates a premature translational stop signal (p.Arg367*) in the OFD1 gene. It is expected to result in an absent or disrupted protein product. Loss-of-function variants in OFD1 are known to be pathogenic (PMID: 16783569, 18546297, 27081566).

Provincial Medical Genetics Program of British Columbia, University of British Columbia
Classification: Pathogenic for Orofaciodigital syndrome I. Last evaluated: 2022-01-01. Review status: criteria provided, single submitter. Criteria: ACMG Guidelines, 2015. Collection method: clinical testing. Allele origin: de novo. Affected: yes.

Blueprint Genetics
Classification: Pathogenic for OFD1-related disorders. Last evaluated: 2021-02-04. Review status: criteria provided, single submitter. Criteria: ACMG Guidelines, 2015. Collection method: clinical testing. Allele origin: germline. Affected: yes. Observed: 2 variant alleles.

Revvity Omics, Revvity
Classification: Pathogenic. Last evaluated: 2019-08-09. Review status: criteria provided, single submitter. Criteria: ACMG Guidelines, 2015. Collection method: clinical testing. Allele origin: germline.

Juno Genomics, Hangzhou Juno Genomics, Inc
Classification: Pathogenic for Orofaciodigital syndrome I. Review status: criteria provided, single submitter. Criteria: ACMG Guidelines, 2015. Collection method: clinical testing. Allele origin: germline. Affected: yes.
Comment: Absent from controls (or at extremely low frequency if recessive) in Genome Aggregation Database, Exome Sequencing Project, 1000 Genomes Project, or Exome Aggregation Consortium.;Null variant in a gene where loss of function (LOF) is a known mechanism of disease.;The prevalence of the variant in affected individuals is significantly increased compared to the prevalence in controls.;De novo (both maternity and paternity confirmed) in a patient with the disease and no family history.

Literature cited by the submitters: PubMed 18546297 (cited by Labcorp Genetics (formerly Invitae), Labcorp); PubMed 23033313 (cited by Labcorp Genetics (formerly Invitae), Labcorp); PubMed 16783569 (cited by Labcorp Genetics (formerly Invitae), Labcorp); PubMed 27081566 (cited by Labcorp Genetics (formerly Invitae), Labcorp).

NM_003611.3(OFD1):c.1099C>T (p.Arg367Ter)

Gene: OFD1 (OFD1 centriole and centriolar satellite protein; plus strand). Cytogenetic location: Xp22.2.
Variant type: single nucleotide variant.
Coding change: c.1099C>T on transcript NM_003611.3 (MANE Select); coding-DNA position 1099, C replaced by T.
Protein change: p.Arg367Ter; replaces arginine 367 with a stop codon.
Molecular consequence: nonsense.
Genome position (GRCh38, 1-based): chrX:13,753,411, C>T. VCF-style: chrX-13753411-C-T. GRCh37 (hg19) VCF-style: chrX-13771530-C-T.
Other names: c.979C>T, p.Arg327Ter (NM_001330209.2); c.679C>T, p.Arg227Ter (NM_001330210.2); short protein forms R367*, R227*, R327*.
Identifiers: ClinVar variation 41056 (VCV000041056.17), dbSNP rs312262863, ClinGen allele CA343946.